The following is an entry in ClinVar:

ClinVar aggregate classification (germline): Likely benign. Review status: criteria provided, multiple submitters, no conflicts (2 of 4 stars). 3 submissions from 3 submitters: Likely benign (3). Last evaluated 2026-01-11.

Conditions:
Hereditary cancer-predisposing syndrome. Also called: Neoplastic Syndromes, Hereditary; Tumor predisposition; Hereditary Cancer Syndrome; Hereditary neoplastic syndrome. Identifiers: Orphanet 140162, MedGen C0027672, MeSH D009386, MONDO:0015356.
Gorlin syndrome. Also called: Nevoid Basal Cell Carcinoma Syndrome; Basal cell nevus syndrome. Identifiers: Orphanet 377, MedGen C0004779, MONDO:0007187.
PTCH1-related disorder. Also called: PTCH1-related disorders; PTCH1-related condition.

Allele frequency attached by ClinVar (database versions not stated): ExAC 0.00001; TOPMed 0.00001; ESP Exome Variant Server 0.00008; 1000 Genomes Project 30x 0.00016; 1000 Genomes Project 0.00020.
gnomAD v4.1: 24 of 1,614,182 alleles (0.0015%); highest among the groups gnomAD compares: East Asian, 0.029%; no homozygotes.

Submissions (3):

Labcorp Genetics (formerly Invitae), Labcorp
Classification: Likely benign for Gorlin syndrome. Last evaluated: 2026-01-11. Review status: criteria provided, single submitter. Criteria: Invitae Variant Classification Sherloc (09022015). Collection method: clinical testing. Allele origin: germline.

PreventionGenetics, part of Exact Sciences
Classification: Likely benign for PTCH1-related condition. Last evaluated: 2024-11-25. Review status: criteria provided, single submitter. Criteria: ACMG Guidelines, 2015. Collection method: clinical testing. Allele origin: germline.
Comment: This variant is classified as likely benign based on ACMG/AMP sequence variant interpretation guidelines (Richards et al. 2015 PMID: 25741868, with internal and published modifications).

Ambry Genetics
Classification: Likely benign for Hereditary cancer-predisposing syndrome. Last evaluated: 2017-04-19. Review status: criteria provided, single submitter. Criteria: Ambry Variant Classification Scheme 2023. Collection method: clinical testing. Allele origin: germline.

NM_000264.5(PTCH1):c.468A>G (p.Gln156=)

Gene: PTCH1 (patched 1; minus strand). Cytogenetic location: 9q22.32.
Variant type: single nucleotide variant.
Coding change: c.468A>G on transcript NM_000264.5 (MANE Select); coding-DNA position 468, A replaced by G.
Protein change: p.Gln156=; no amino-acid change (glutamine 156 retained).
Molecular consequence: synonymous variant. On other transcripts: non-coding transcript variant (1).
Genome position (GRCh38, 1-based): chr9:95,485,801, T>C on the plus strand (A>G on the coding strand, the complement: PTCH1 is on the minus strand). VCF-style: chr9-95485801-T-C. GRCh37 (hg19) VCF-style: chr9-98248083-T-C.
Other names: c.270A>G, p.Gln90= (NM_001083602.3, NM_001354919.2); c.465A>G, p.Gln155= (NM_001083603.3); c.15A>G, p.Gln5= (NM_001083604.3, NM_001083605.3, NM_001083606.3 and 1 more transcripts); c.468A>G, p.Gln156= (NM_001354918.2).
Identifiers: ClinVar variation 216391 (VCV000216391.17), dbSNP rs200729445, ClinGen allele CA336138.
Genomic context (GRCh38, chr9:95,485,801, plus strand): 5'-TAGGAGCGCTTCTGTGGTCAGGACATTAGCACCTTCTTCTTTAGGGGTCTGTATCATGAG[T>C]TGAGGATTAAACATAGCCTCTTCTCCAATCTTCTGGCGAGTATAATTTAATTCACGACTT-3'
Protein context (NP_000255.2, residues 146-166): KIGEEAMFNP[Gln156=]LMIQTPKEEG